The following is an entry in ClinVar:

ClinVar aggregate classification (germline): Pathogenic (1 of 4 stars; one submission).

Conditions:
Familial cancer of breast. Also called: Hereditary breast cancer; BREAST CANCER, FAMILIAL; hereditary breast carcinoma. Identifiers: Orphanet 227535, MedGen C0346153, MONDO:0016419, OMIM 114480. Disease mechanism: loss of function.

Submission:

Myriad Genetics, Inc.
Classification: Pathogenic for Familial cancer of breast. Last evaluated: 2023-06-05. Review status: criteria provided, single submitter. Criteria: Myriad Autosomal Dominant, Autosomal Recessive and X-Linked Classification Criteria (2023). Collection method: clinical testing. Allele origin: unknown.
Comment: This variant is considered pathogenic. This variant creates a frameshift predicted to result in premature protein truncation.

NM_032043.3(BRIP1):c.1803del (p.Asp602fs)

Gene: BRIP1 (BRCA1 interacting DNA helicase 1; minus strand). Cytogenetic location: 17q23.2.
Variant type: Deletion.
Coding change: c.1803del on transcript NM_032043.3 (MANE Select); coding-DNA position 1803, one base deleted (A; older notation c.1803delA).
Protein change: p.Asp602fs; shifts the reading frame from aspartic acid 602.
Molecular consequence: frameshift variant.
Genome position (GRCh38, 1-based): chr17:61,780,393, T deleted on the plus strand (A on the coding strand, the reverse complement: BRIP1 is on the minus strand). VCF-style (leftmost placement, unchanged base first): chr17-61780392-CT-C. GRCh37 (hg19) VCF-style: chr17-59857753-CT-C.
Other names: short protein forms D602fs.
Identifiers: ClinVar variation 2583657 (VCV002583657.2), dbSNP rs2545021116, ClinGen allele CA2582342274.